The following is an entry in ClinVar:

ClinVar aggregate classification (germline): Uncertain significance (1 of 4 stars; one submission).

Allele frequency attached by ClinVar (database versions not stated): TOPMed 0.00002; gnomAD 0.00006; 1000 Genomes Project 30x 0.00016; 1000 Genomes Project 0.00020.

Submission:

Labcorp Genetics (formerly Invitae), Labcorp
Classification: Uncertain significance. Last evaluated: 2025-12-17. Review status: criteria provided, single submitter. Criteria: Invitae Variant Classification Sherloc (09022015). Collection method: clinical testing. Allele origin: germline.
Comment: This sequence change replaces threonine, which is neutral and polar, with proline, which is neutral and non-polar, at codon 1498 of the TOP2B protein (p.Thr1498Pro). This variant is present in population databases (rs572010388, gnomAD 0.009%). This variant has not been reported in the literature in individuals affected with TOP2B-related conditions. ClinVar contains an entry for this variant (Variation ID: 1429950). An algorithm developed to predict the effect of missense changes on protein structure and function (PolyPhen-2) suggests that this variant is likely to be tolerated. In summary, the available evidence is currently insufficient to determine the role of this variant in disease. Therefore, it has been classified as a Variant of Uncertain Significance.

NM_001330700.2(TOP2B):c.4507A>C (p.Thr1503Pro)

Gene: TOP2B (DNA topoisomerase II beta; minus strand). Cytogenetic location: 3p24.2.
Variant type: single nucleotide variant.
Coding change: c.4507A>C on transcript NM_001330700.2 (MANE Select); coding-DNA position 4507, A replaced by C.
Protein change: p.Thr1503Pro; replaces threonine 1503 with proline.
Molecular consequence: missense variant.
Genome position (GRCh38, 1-based): chr3:25,601,208, T>G on the plus strand (A>C on the coding strand, the complement: TOP2B is on the minus strand). VCF-style: chr3-25601208-T-G. GRCh37 (hg19) VCF-style: chr3-25642699-T-G.
Other names: c.4492A>C, p.Thr1498Pro (NM_001068.3); short protein forms T1503P, T1498P.
Identifiers: ClinVar variation 1429950 (VCV001429950.8), dbSNP rs572010388, ClinGen allele CA2288076.